The following is an entry in ClinVar:

NM_004984.4(KIF5A):c.1526_1534dup (p.Gln511_Asn512insSerGlnGln)

Gene: KIF5A (kinesin family member 5A; plus strand). Cytogenetic location: 12q13.3.
Variant type: Duplication.
Coding change: c.1526_1534dup on transcript NM_004984.4 (MANE Select); coding-DNA positions 1526 to 1534, 9 bases duplicated (GCCAGCAGA; older notation c.1526_1534dupGCCAGCAGA).
Protein change: p.Gln511_Asn512insSerGlnGln.
Molecular consequence: inframe insertion.
Genome position (GRCh38, 1-based): chr12:57,572,224-57,572,232, GCCAGCAGA duplicated; duplicating any 9 consecutive bases within chr12:57,572,221-57,572,232 gives the same sequence; the c. name uses the placement nearest the transcript's 3' end. VCF-style (leftmost placement, unchanged base first): chr12-57572220-A-AAGAGCCAGC. GRCh37 (hg19) VCF-style: chr12-57966003-A-AAGAGCCAGC.
Other names: c.1259_1267dup, p.Gln422_Asn423insSerGlnGln (NM_001354705.2).
Identifiers: ClinVar variation 4716728 (VCV004716728.1).
Genomic context (GRCh38, chr12:57,572,220, plus strand): 5'-CTGCAGGCCCTGGAGGAGCTGGCTGTGAACTATGACCAGAAGTCCCAGGAGGTGGAGGAG[A>AAGAGCCAGC]AGAGCCAGCAGAACCAGCTTCTGGTGGATGAGCTGTCTCAGAAGGTGGTAAGTGGTGTGC-3'

ClinVar aggregate classification (germline): Uncertain significance (1 of 4 stars; one submission).

Conditions:
Spastic paraplegia. Identifiers: MedGen C0037772, HP:0001258.

Submission:

Labcorp Genetics (formerly Invitae), Labcorp
Classification: Uncertain significance for Spastic paraplegia. Last evaluated: 2025-04-04. Review status: criteria provided, single submitter. Criteria: Invitae Variant Classification Sherloc (09022015). Collection method: clinical testing. Allele origin: germline.
Comment: This variant, c.1526_1534dup, results in the insertion of 3 amino acid(s) of the KIF5A protein (p.Ser509_Gln511dup), but otherwise preserves the integrity of the reading frame. This variant is not present in population databases (gnomAD no frequency). This variant has not been reported in the literature in individuals affected with KIF5A-related conditions. In summary, the available evidence is currently insufficient to determine the role of this variant in disease. Therefore, it has been classified as a Variant of Uncertain Significance.